The following is an entry in ClinVar:

ClinVar aggregate classification (germline): Pathogenic. Review status: reviewed by expert panel (3 of 4 stars). 17 submissions from 17 submitters: Pathogenic (1). 16 of the submissions do not count toward it. Last evaluated 2016-09-08.

Conditions:
Hereditary cancer-predisposing syndrome. Also called: Tumor predisposition; Neoplastic Syndromes, Hereditary; Hereditary Cancer Syndrome; Hereditary neoplastic syndrome. Identifiers: Orphanet 140162, MedGen C0027672, MeSH D009386, MONDO:0015356.
Hereditary breast ovarian cancer syndrome. Also called: Hereditary breast and ovarian cancer syndrome (HBOC); Hereditary breast and ovarian cancer syndrome; Hereditary breast and ovarian cancer; Hereditary breast and/or ovarian cancer syndrome; Breast and ovarian cancer; BRCA1- and BRCA2-Associated Hereditary Breast and Ovarian Cancer. Identifiers: Orphanet 145, MedGen C0677776, MeSH D061325, MONDO:0003582. Disease mechanism: loss of function.
Breast-ovarian cancer, familial, susceptibility to, 1 (BROVCA1). Also called: OVARIAN CANCER, SUSCEPTIBILITY TO; BRCA1 Hereditary Breast and Ovarian Cancer. Identifiers: Orphanet 145, MedGen C2676676, MONDO:0011450, OMIM 604370. Disease mechanism: loss of function.

Submissions 1 to 11 of 17:

Evidence-based Network for the Interpretation of Germline Mutant Alleles (ENIGMA)
Classification: Pathogenic for Breast-ovarian cancer, familial, susceptibility to, 1. Last evaluated: 2016-09-08. Review status: reviewed by expert panel. Criteria: ENIGMA BRCA1/2 Classification Criteria (2015). Collection method: curation. Allele origin: germline.
Comment: Variant allele predicted to encode a truncated non-functional protein.

Labcorp Genetics (formerly Invitae), Labcorp
Classification: Pathogenic for Hereditary breast ovarian cancer syndrome. Last evaluated: 2025-08-17. Review status: criteria provided, single submitter. Criteria: Invitae Variant Classification Sherloc (09022015). Collection method: clinical testing. Allele origin: germline. Not counted in ClinVar's aggregate classification.
Comment: This sequence change creates a premature translational stop signal (p.Gln538*) in the BRCA1 gene. It is expected to result in an absent or disrupted protein product. Loss-of-function variants in BRCA1 are known to be pathogenic (PMID: 20104584). This variant is not present in population databases (gnomAD no frequency). This premature translational stop signal has been observed in individual(s) with breast and/or ovarian cancer (PMID: 15642173, 16455195, 25948282, 27425403, 28477318, 28724667, 29335924). This variant is also known as 1731C>T. ClinVar contains an entry for this variant (Variation ID: 54309). For these reasons, this variant has been classified as Pathogenic.

Dasa
Classification: Pathogenic for Breast-ovarian cancer, familial, susceptibility to, 1. Last evaluated: 2025-07-03. Review status: criteria provided, single submitter. Criteria: DASA Assertion Criteria. Collection method: clinical testing. Allele origin: germline. Not counted in ClinVar's aggregate classification.
Comment: NM_007294.4(BRCA1):c.1612C>T (p.Gln538*) introduces a premature termination codon predicted to result in loss of normal protein function. Loss-of-function is an established mechanism of disease for this gene. The affected residue or protein region has prior evidence supporting clinical relevance. This variant has been reported in individuals with Breast-ovarian cancer, familial, susceptibility to, 1. This variant has been reported in individuals with Breast-ovarian cancer, familial, susceptibility to, 1. The variant is present at low frequency in population datasets. Based on the available data, this variant is classified as pathogenic.

GeneDx
Classification: Pathogenic. Last evaluated: 2025-05-09. Review status: criteria provided, single submitter. Criteria: GeneDx Variant Classification Process June 2021. Collection method: clinical testing. Allele origin: germline. Affected: yes. Not counted in ClinVar's aggregate classification.
Comment: Nonsense variant predicted to result in protein truncation or nonsense mediated decay in a gene for which loss of function is a known mechanism of disease; Truncating variants in this gene are considered pathogenic by a well-established clinical consortium and/or database; Not observed at significant frequency in large population cohorts (gnomAD); Also known as 1731C>T; This variant is associated with the following publications: (PMID: 36367610, 35451682, 34490083, 32438681, 29161300, 29310832, 30014164, 30702160, 30606148, 28477318, 31825140, 29335924, 29907814, 29446198, 25525159, 27425403, 15343273, 20215511, 10426999, 10792030, 32986223, 15642173, 28724667)

OLLIN Analises Genomicas, OLLIN
Classification: Pathogenic for Breast-ovarian cancer, familial, susceptibility to, 1. Last evaluated: 2024-11-11. Review status: criteria provided, single submitter. Criteria: ACMG Guidelines 2015 PMID 25741868. Collection method: clinical testing. Allele origin: germline. Affected: yes. Observed: 1 variant allele. Not counted in ClinVar's aggregate classification.
Comment: The nonsense variant (chr17:43093919 G>A), located in exon 10 (of 23), is reported in ClinVar (VCV000763520.16) and in the scientific literature (PMID: 15642173, 16455195, 25948282, 27425403, 28477318, 28724667, 29335924), and is absent in gnomAD v4.1 non-UKB. This variant introduces a premature stop codon, resulting in a truncated protein or mRNA degradation via nonsense-mediated decay (NMD). According to currently available evidence and the specific interpretation and classification criteria for the ClinGen gene (PMID: 39142283), this variant has been classified as pathogenic (PVS1, PS4_M, PM2_P).

Color Diagnostics, LLC DBA Color Health
Classification: Pathogenic for Hereditary cancer-predisposing syndrome. Last evaluated: 2024-10-29. Review status: criteria provided, single submitter. Criteria: ACMG Guidelines, 2015. Collection method: clinical testing. Allele origin: germline. Not counted in ClinVar's aggregate classification.
Comment: This variant changes 1 nucleotide in exon 10 of the BRCA1 gene, creating a premature translation stop signal. This variant is expected to result in an absent or non-functional protein product. This variant has been observed in multiple individuals and families affected with breast and ovarian cancer (PMID: 15642173, 16455195, 25948282, 27425403, 28477318, 29310832, 29335924, 30606148). This variant also has been detected in a breast cancer case-control meta-analysis in 0/60466 cases and 1/53461 unaffected individuals (PMID: 33471991; Leiden Open Variation Database DB-ID BRCA1_001317). This variant has not been identified in the general population by the Genome Aggregation Database (gnomAD). Loss of BRCA1 function is a known mechanism of disease. Based on the available evidence, this variant is classified as Pathogenic.

Quest Diagnostics Nichols Institute San Juan Capistrano
Classification: Pathogenic. Last evaluated: 2023-11-24. Review status: criteria provided, single submitter. Criteria: Quest Diagnostics criteria. Collection method: clinical testing. Allele origin: unknown. Not counted in ClinVar's aggregate classification.
Comment: The BRCA1 c.1612C>T (p.Gln538*) variant causes the premature termination of BRCA1 protein synthesis. This variant has been reported in the published literature in individuals with breast and/or ovarian cancer (PMIDs: 16455195 (2007), 22798144 (2012), 25948282 (2015), 27425403 (2016), 28477318 (2017), 28724667 (2017), 30606148 (2019), 32438681 (2020), 32986223 (2021), 34490083 (2021), and 35451682 (2022). In addition, this variant has been reported in a cancer-free individual (PMID: 33471991). This variant has not been reported in large, multi-ethnic general populations (Genome Aggregation Database). Based on the available information, this variant is classified as pathogenic.

GeneKor MSA
Classification: Pathogenic. Last evaluated: 2020-01-01. Review status: criteria provided, single submitter. Criteria: ACMG Guidelines, 2015. Collection method: clinical testing. Allele origin: germline. Not counted in ClinVar's aggregate classification.
Comment: This variant is a single amino acid change from Glutamine to a Termination codon at amino acid residue 538 of the BRCA1 gene. It is expected to result in an absent or disrupted protein product. Truncating variants in the BRCA1 gene are known to be pathogenic. The mutation database ClinVar contains entries for this variant (Variation ID: 54309).

Mendelics
Classification: Pathogenic for Hereditary breast and ovarian cancer syndrome. Last evaluated: 2018-07-02. Review status: criteria provided, single submitter. Criteria: Mendelics Assertion Criteria 2017. Collection method: clinical testing. Allele origin: unknown. Not counted in ClinVar's aggregate classification.

Ambry Genetics
Classification: Pathogenic for Hereditary cancer-predisposing syndrome. Last evaluated: 2017-06-01. Review status: criteria provided, single submitter. Criteria: Ambry Variant Classification Scheme 2023. Collection method: clinical testing. Allele origin: germline. Not counted in ClinVar's aggregate classification.
Comment: The p.Q538* pathogenic mutation (also known as c.1612C>T), located in coding exon 9 of the BRCA1 gene, results from a C to T substitution at nucleotide position 1612. This changes the amino acid from a glutamine to a stop codon within coding exon 9. This mutation has been reported in numerous individuals with early onset breast cancer and/or familial breast and ovarian cancer (Ahn SH et al. Cancer Lett. 2007 Jan;245:90-5; Kluska A et al. BMC Med Genomics. 2015 May;8:19; Eerola H et al. Breast Cancer Res. 2005 Nov;7:R93-100). Of note, this alteration is also referred to as 1731C>T in the published literature. In addition to the clinical data presented in the literature, this alteration is expected to result in loss of function by premature protein truncation or nonsense-mediated mRNA decay. As such, this alteration is interpreted as a disease-causing mutation.

ARUP Laboratories, Molecular Genetics and Genomics, ARUP Laboratories
Classification: Pathogenic. Last evaluated: 2016-10-13. Review status: criteria provided, single submitter. Criteria: ARUP Molecular Germline Variant Investigation Process. Collection method: clinical testing. Allele origin: germline. Not counted in ClinVar's aggregate classification.

NM_007294.4(BRCA1):c.1612C>T (p.Gln538Ter)

Gene: BRCA1 (BRCA1 DNA repair associated; minus strand). Cytogenetic location: 17q21.31.
Variant type: single nucleotide variant.
Coding change: c.1612C>T on transcript NM_007294.4 (MANE Select); coding-DNA position 1612, C replaced by T.
Protein change: p.Gln538Ter; replaces glutamine 538 with a stop codon.
Molecular consequence: nonsense. On other transcripts: intron variant (137).
Genome position (GRCh38, 1-based): chr17:43,093,919, G>A on the plus strand (C>T on the coding strand, the complement: BRCA1 is on the minus strand). VCF-style: chr17-43093919-G-A. GRCh37 (hg19) VCF-style: chr17-41245936-G-A.
Other names: 1731C>T; c.661+825C>T (NM_001408435.1, NM_001408448.1, NM_001408445.1 and 6 more transcripts); c.784+825C>T (NM_001408401.1, NM_001408396.1, NM_001407985.1 and 13 more transcripts); c.548-2887C>T (NM_001408494.1); c.664+825C>T (NM_001408444.1, NM_001408438.1, NM_001408430.1 and 12 more transcripts); c.670+1927C>T (NM_001408423.1, NM_001408420.1, NM_001408419.1 and 2 more transcripts); c.787+825C>T (NM_001408404.1, NM_001408472.1, NM_001407990.1 and 19 more transcripts); c.577+825C>T (NM_001408492.1, NM_001408513.1, NM_001408489.1 and 9 more transcripts); and 41 more; short protein forms Q538*, Q491*, Q242*, Q468*, Q471*, Q535*, Q426*, Q449*.
Identifiers: ClinVar variation 54309 (VCV000054309.36), dbSNP rs80356893, ClinGen allele CA001073.